The following is an entry in ClinVar:

ClinVar aggregate classification (germline): Conflicting classifications of pathogenicity. Review status: criteria provided, conflicting classifications (1 of 4 stars). 2 submissions from 2 submitters: Uncertain significance (1); Likely benign (1). Last evaluated 2025-05-08.

Conditions:
Dyskeratosis congenita. Identifiers: Orphanet 1775, MedGen C0265965, MONDO:0015780.

Submissions (2):

Labcorp Genetics (formerly Invitae), Labcorp
Classification: Uncertain significance for Dyskeratosis congenita. Last evaluated: 2025-05-08. Review status: criteria provided, single submitter. Criteria: Invitae Variant Classification Sherloc (09022015). Collection method: clinical testing. Allele origin: germline.
Comment: This sequence change affects codon 457 of the CTC1 mRNA. It is a 'silent' change, meaning that it does not change the encoded amino acid sequence of the CTC1 protein. This variant is not present in population databases (gnomAD no frequency). This variant has not been reported in the literature in individuals affected with CTC1-related conditions. Algorithms developed to predict the effect of sequence changes on RNA splicing suggest that this variant may create or strengthen a splice site. In summary, the available evidence is currently insufficient to determine the role of this variant in disease. Therefore, it has been classified as a Variant of Uncertain Significance.

Blueprint Genetics
Classification: Likely benign. Last evaluated: 2022-09-28. Review status: criteria provided, single submitter. Criteria: ACMG Guidelines, 2015. Collection method: clinical testing. Allele origin: germline.

NM_025099.6(CTC1):c.1371G>A (p.Val457=)

Gene: CTC1 (CST telomere replication complex component 1; minus strand). Cytogenetic location: 17p13.1.
Variant type: single nucleotide variant.
Coding change: c.1371G>A on transcript NM_025099.6 (MANE Select); coding-DNA position 1371, G replaced by A.
Protein change: p.Val457=; no amino-acid change (valine 457 retained).
Molecular consequence: synonymous variant. On other transcripts: non-coding transcript variant (1).
Genome position (GRCh38, 1-based): chr17:8,235,121, C>T on the plus strand (G>A on the coding strand, the complement: CTC1 is on the minus strand). VCF-style: chr17-8235121-C-T. GRCh37 (hg19) VCF-style: chr17-8138439-C-T.
Other names: c.1371G>A, p.Val457= (NM_001411067.1).
Identifiers: ClinVar variation 4811183 (VCV004811183.2).